The following is an entry in ClinVar:

NM_006258.4(PRKG1):c.1378G>C (p.Glu460Gln)

Gene: PRKG1 (protein kinase cGMP-dependent 1; plus strand). Cytogenetic location: 10q21.1.
Variant type: single nucleotide variant.
Coding change: c.1378G>C on transcript NM_006258.4 (MANE Select); coding-DNA position 1378, G replaced by C.
Protein change: p.Glu460Gln; replaces glutamic acid 460 with glutamine.
Molecular consequence: missense variant.
Genome position (GRCh38, 1-based): chr10:52,272,456, G>C. VCF-style: chr10-52272456-G-C. GRCh37 (hg19) VCF-style: chr10-54032216-G-C.
Other names: c.1333G>C, p.Glu445Gln (NM_001098512.3); c.169G>C, p.Glu57Gln (NM_001374781.1); short protein forms E460Q, E57Q, E445Q.
Identifiers: ClinVar variation 3657786 (VCV003657786.2).

ClinVar aggregate classification (germline): Uncertain significance (1 of 4 stars; one submission).

Conditions:
Aortic aneurysm, familial thoracic 8 (AAT8). Identifiers: MedGen C3809513, MONDO:0014187, OMIM 615436.

Submission:

Labcorp Genetics (formerly Invitae), Labcorp
Classification: Uncertain significance for Aortic aneurysm, familial thoracic 8. Last evaluated: 2024-06-25. Review status: criteria provided, single submitter. Criteria: Invitae Variant Classification Sherloc (09022015). Collection method: clinical testing. Allele origin: germline.
Comment: This sequence change replaces glutamic acid, which is acidic and polar, with glutamine, which is neutral and polar, at codon 460 of the PRKG1 protein (p.Glu460Gln). This variant is not present in population databases (gnomAD no frequency). This variant has not been reported in the literature in individuals affected with PRKG1-related conditions. An algorithm developed to predict the effect of missense changes on protein structure and function (PolyPhen-2) suggests that this variant is likely to be disruptive. In summary, the available evidence is currently insufficient to determine the role of this variant in disease. Therefore, it has been classified as a Variant of Uncertain Significance.